The following is an entry in ClinVar:

NM_000238.4(KCNH2):c.1036G>A (p.Asp346Asn)

Gene: KCNH2 (potassium voltage-gated channel subfamily H member 2; minus strand). Cytogenetic location: 7q36.1.
Variant type: single nucleotide variant.
Coding change: c.1036G>A on transcript NM_000238.4 (MANE Select); coding-DNA position 1036, G replaced by A.
Protein change: p.Asp346Asn; replaces aspartic acid 346 with asparagine.
Molecular consequence: missense variant.
Genome position (GRCh38, 1-based): chr7:150,957,383, C>T on the plus strand (G>A on the coding strand, the complement: KCNH2 is on the minus strand). VCF-style: chr7-150957383-C-T. GRCh37 (hg19) VCF-style: chr7-150654471-C-T.
Other names: c.748G>A, p.Asp250Asn (NM_001406753.1, NM_001406756.1); c.859G>A, p.Asp287Asn (NM_001406755.1); c.736G>A, p.Asp246Asn (NM_001406757.1); c.1036G>A, p.Asp346Asn (NM_172056.3); short protein forms D346N, D246N, D250N, D287N.
Identifiers: ClinVar variation 841013 (VCV000841013.10), dbSNP rs1420621400, ClinGen allele CA369861605.

ClinVar aggregate classification (germline): Uncertain significance (1 of 4 stars; one submission).

Conditions:
Long QT syndrome (LQTS). Identifiers: MedGen C0023976, MeSH D008133, MONDO:0002442. Disease mechanism: loss of function. Inheritance: Various modes of inheritance.

gnomAD v4.1: 4 of 1,614,042 alleles (0.00025%); highest among the groups gnomAD compares: East Asian, 0.0022%; no homozygotes.

Submission:

Labcorp Genetics (formerly Invitae), Labcorp
Classification: Uncertain significance for Long QT syndrome. Last evaluated: 2019-11-22. Review status: criteria provided, single submitter. Criteria: Invitae Variant Classification Sherloc (09022015). Collection method: clinical testing. Allele origin: germline.
Comment: This variant has not been reported in the literature in individuals with KCNH2-related conditions. In summary, the available evidence is currently insufficient to determine the role of this variant in disease. Therefore, it has been classified as a Variant of Uncertain Significance. Algorithms developed to predict the effect of missense changes on protein structure and function (SIFT, PolyPhen-2, Align-GVGD) all suggest that this variant is likely to be tolerated, but these predictions have not been confirmed by published functional studies and their clinical significance is uncertain. This variant is not present in population databases (ExAC no frequency). This sequence change replaces aspartic acid with asparagine at codon 346 of the KCNH2 protein (p.Asp346Asn). The aspartic acid residue is weakly conserved and there is a small physicochemical difference between aspartic acid and asparagine.